The following is an entry in ClinVar:

ClinVar aggregate classification (germline): Conflicting classifications of pathogenicity. Review status: criteria provided, conflicting classifications (1 of 4 stars). 8 submissions from 8 submitters: Uncertain significance (7); Likely benign (1). Last evaluated 2025-08-26.

Conditions:
Catecholaminergic polymorphic ventricular tachycardia (CVPT). Also called: Catecholamine-induced polymorphic ventricular tachycardia. Identifiers: Orphanet 3286, MedGen C5574922, MONDO:0017990.
Cardiovascular phenotype. Identifiers: MedGen CN230736.
Cardiomyopathy (CMYO). Also called: Cardiomyopathies. Identifiers: Orphanet 167848, MedGen C0878544, MONDO:0004994, HP:0001638. Inheritance: Various modes of inheritance.
Catecholaminergic polymorphic ventricular tachycardia 1. Also called: RYR2-Related Catecholaminergic Polymorphic Ventricular Tachycardia; VENTRICULAR TACHYCARDIA, CATECHOLAMINERGIC POLYMORPHIC, 1, WITH OR WITHOUT ATRIAL DYSFUNCTION AND/OR DILATED CARDIOMYOPATHY; VENTRICULAR TACHYCARDIA, STRESS-INDUCED POLYMORPHIC 1. Identifiers: Orphanet 3286, MedGen C1631597, MONDO:0011484, OMIM 604772.

Allele frequency attached by ClinVar (database versions not stated): ExAC 0.00001; gnomAD exomes 0.00002; gnomAD 0.00004; TOPMed 0.00005.
gnomAD v4.1: 97 of 1,613,716 alleles (0.006%); highest among the groups gnomAD compares: Non-Finnish European, 0.0081%; no homozygotes.

Submissions (8):

Ambry Genetics
Classification: Uncertain significance for Cardiovascular phenotype. Last evaluated: 2025-08-26. Review status: criteria provided, single submitter. Criteria: Ambry Variant Classification Scheme 2023. Collection method: clinical testing. Allele origin: germline.
Comment: The p.G1324A variant (also known as c.3971G>C), located in coding exon 31 of the RYR2 gene, results from a G to C substitution at nucleotide position 3971. The glycine at codon 1324 is replaced by alanine, an amino acid with similar properties. This amino acid position is well conserved in available vertebrate species. In addition, the in silico prediction for this alteration is inconclusive. Since supporting evidence is limited at this time, the clinical significance of this alteration remains unclear.

Molecular Diagnostic Laboratory for Inherited Cardiovascular Disease, Montreal Heart Institute
Classification: Uncertain significance for Cardiovascular phenotype. Last evaluated: 2025-04-09. Review status: criteria provided, single submitter. Criteria: ACMG Guidelines, 2015. Collection method: clinical testing. Allele origin: germline. Affected: yes.
Comment: PP2, BP4

All of Us Research Program, National Institutes of Health
Classification: Uncertain significance for Catecholaminergic polymorphic ventricular tachycardia. Last evaluated: 2024-09-27. Review status: criteria provided, single submitter. Criteria: ACMG Guidelines, 2015. Collection method: clinical testing. Allele origin: germline. Inheritance: Autosomal dominant inheritance. Observed: 7 variant alleles, 7 heterozygotes.
Comment: This missense variant replaces glycine with alanine at codon 1324 of the RYR2 protein. Computational prediction suggests that this variant may not impact protein structure and function (internally defined REVEL score threshold <= 0.5, PMID: 27666373). Splice site prediction tools suggest that this variant may not impact RNA splicing. To our knowledge, functional studies have not been performed for this variant. This variant has not been reported in individuals affected with cardiovascular disorders in the literature. This variant has been identified in 7/280312 chromosomes in the general population by the Genome Aggregation Database (gnomAD). The available evidence is insufficient to determine the role of this variant in disease conclusively. Therefore, this variant is classified as a Variant of Uncertain Significance.

This study involves interpretation of variants in research participants for the purpose of population health screening. Participant phenotype was not available at the time of variant classification. Additional details can be found in publication PMID: 35346344, PMCID: PMC8962531

Labcorp Genetics (formerly Invitae), Labcorp
Classification: Uncertain significance for Catecholaminergic polymorphic ventricular tachycardia 1. Last evaluated: 2024-08-28. Review status: criteria provided, single submitter. Criteria: Invitae Variant Classification Sherloc (09022015). Collection method: clinical testing. Allele origin: germline.
Comment: This sequence change replaces glycine, which is neutral and non-polar, with alanine, which is neutral and non-polar, at codon 1324 of the RYR2 protein (p.Gly1324Ala). This variant is present in population databases (rs773678614, gnomAD 0.006%). This variant has not been reported in the literature in individuals affected with RYR2-related conditions. ClinVar contains an entry for this variant (Variation ID: 632975). Invitae Evidence Modeling of protein sequence and biophysical properties (such as structural, functional, and spatial information, amino acid conservation, physicochemical variation, residue mobility, and thermodynamic stability) indicates that this missense variant is not expected to disrupt RYR2 protein function with a negative predictive value of 95%. In summary, the available evidence is currently insufficient to determine the role of this variant in disease. Therefore, it has been classified as a Variant of Uncertain Significance.

Color Diagnostics, LLC DBA Color Health
Classification: Uncertain significance for Cardiomyopathy. Last evaluated: 2024-03-06. Review status: criteria provided, single submitter. Criteria: ACMG Guidelines, 2015. Collection method: clinical testing. Allele origin: germline.
Comment: This missense variant replaces glycine with alanine at codon 1324 of the RYR2 protein. Computational prediction suggests that this variant may not impact protein structure and function (internally defined REVEL score threshold <= 0.5, PMID: 27666373). To our knowledge, functional studies have not been reported for this variant. This variant has not been reported in individuals affected with RYR2-related disorders in the literature. This variant has been identified in 7/280312 chromosomes in the general population by the Genome Aggregation Database (gnomAD). The available evidence is insufficient to determine the role of this variant in disease conclusively. Therefore, this variant is classified as a Variant of Uncertain Significance.

Blueprint Genetics
Classification: Likely benign. Last evaluated: 2021-12-30. Review status: criteria provided, single submitter. Criteria: ACMG Guidelines, 2015. Collection method: clinical testing. Allele origin: germline.

CHEO Genetics Diagnostic Laboratory, Children's Hospital of Eastern Ontario
Classification: Uncertain significance for Cardiomyopathy. Last evaluated: 2017-11-29. Review status: criteria provided, single submitter. Criteria: ACMG Guidelines, 2015. Collection method: clinical testing. Allele origin: germline.

Women's Health and Genetics/Laboratory Corporation of America, LabCorp
Classification: Uncertain significance. Last evaluated: 2017-10-23. Review status: criteria provided, single submitter. Criteria: LabCorp Variant Classification Summary - May 2015. Collection method: clinical testing. Allele origin: germline.
Comment: Variant summary: The RYR2 variant, c.3971G>C (p.Gly1324Ala), causes a missense change involving a non-conserved nucleotide and 3/4 in silico tools (SNPsandGO is not captured here due to low reliability index) predict a benign outcome. However, these predictions have not been functionally assessed. This variant was found in 7/276794 control chromosomes at a frequency of 0.0000253, which does not exceed the estimated maximal expected allele frequency of a pathogenic RYR2 variant (0.000055). The variant has not, to our knowledge, been reported in affected individuals via publications and/or reputable databases/clinical laboratories. Taken together, the variant has been classified as a "Variant of Uncertain Significance (VUS)," until additional information becomes available.

NM_001035.3(RYR2):c.3971G>C (p.Gly1324Ala)

Genes: RYR2 (ryanodine receptor 2; plus strand), LOC126806067 (BRD4-independent group 4 enhancer GRCh37_chr1:237753258-237754457; plus strand). Cytogenetic location: 1q43.
Variant type: single nucleotide variant.
Coding change: c.3971G>C on transcript NM_001035.3 (MANE Select); coding-DNA position 3971, G replaced by C.
Protein change: p.Gly1324Ala; replaces glycine 1324 with alanine.
Molecular consequence: missense variant.
Genome position (GRCh38, 1-based): chr1:237,590,803, G>C. VCF-style: chr1-237590803-G-C. GRCh37 (hg19) VCF-style: chr1-237754103-G-C.
Other names: c.3971G>C, p.Gly1324Ala (LRG_402t1); short protein forms G1324A.
Identifiers: ClinVar variation 632975 (VCV000632975.22), dbSNP rs773678614, ClinGen allele CA086511.